The following is an entry in ClinVar:

ClinVar aggregate classification (germline): Uncertain significance (0 of 4 stars; one submission).

Conditions:
RAI1-related disorder. Also called: RAI1-related condition.

Submission:

PreventionGenetics, part of Exact Sciences
Classification: Uncertain significance for RAI1-related condition. Last evaluated: 2024-07-05. Review status: no assertion criteria provided. Collection method: clinical testing. Allele origin: germline.
Comment: The RAI1 c.1744G>C variant is predicted to result in the amino acid substitution p.Asp582His. To our knowledge, this variant has not been reported in the literature or in a large population database, indicating this variant is rare. At this time, the clinical significance of this variant is uncertain due to the absence of conclusive functional and genetic evidence.

NM_030665.4(RAI1):c.1744G>C (p.Asp582His)

Gene: RAI1 (retinoic acid induced 1; plus strand). Cytogenetic location: 17p11.2.
Variant type: single nucleotide variant.
Coding change: c.1744G>C on transcript NM_030665.4 (MANE Select); coding-DNA position 1744, G replaced by C.
Protein change: p.Asp582His; replaces aspartic acid 582 with histidine.
Molecular consequence: missense variant.
Genome position (GRCh38, 1-based): chr17:17,794,692, G>C. VCF-style: chr17-17794692-G-C. GRCh37 (hg19) VCF-style: chr17-17698006-G-C.
Other names: short protein forms D582H.
Identifiers: ClinVar variation 3345599 (VCV003345599.1).